The following is an entry in ClinVar:

NM_017999.5(RNF31):c.2875G>T (p.Ala959Ser)

Gene: RNF31 (ring finger protein 31; plus strand). Cytogenetic location: 14q12.
Variant type: single nucleotide variant.
Coding change: c.2875G>T on transcript NM_017999.5 (MANE Select); coding-DNA position 2875, G replaced by T.
Protein change: p.Ala959Ser; replaces alanine 959 with serine.
Molecular consequence: missense variant.
Genome position (GRCh38, 1-based): chr14:24,158,175, G>T. VCF-style: chr14-24158175-G-T. GRCh37 (hg19) VCF-style: chr14-24627384-G-T.
Other names: c.2422G>T, p.Ala808Ser (NM_001310332.2); short protein forms A808S, A959S.
Identifiers: ClinVar variation 3676730 (VCV003676730.2).
Genomic context (GRCh38, chr14:24,158,175, plus strand): 5'-TAACACCCATCTGTCTCTCCTCCTCAGGACAATAACGTCATGTTTAATACAGAGCCTCCA[G>T]CTGGGGCCCGGGCAGTCCCTGGAGGTGAGTGTTAGGACAAGCCTTTGAGAAGAGGAGATG-3'
Protein context (NP_060469.4, residues 949-969): NNVMFNTEPP[Ala959Ser]GARAVPGGGC

ClinVar aggregate classification (germline): Uncertain significance (1 of 4 stars; one submission).

gnomAD v4.1: 1 of 1,614,246 alleles (0.000062%); highest among the groups gnomAD compares: Non-Finnish European, 0.000085%; no homozygotes.

Submission:

Labcorp Genetics (formerly Invitae), Labcorp
Classification: Uncertain significance. Last evaluated: 2024-03-31. Review status: criteria provided, single submitter. Criteria: Invitae Variant Classification Sherloc (09022015). Collection method: clinical testing. Allele origin: germline.
Comment: This sequence change replaces alanine, which is neutral and non-polar, with serine, which is neutral and polar, at codon 959 of the RNF31 protein (p.Ala959Ser). This variant is not present in population databases (gnomAD no frequency). This variant has not been reported in the literature in individuals affected with RNF31-related conditions. An algorithm developed to predict the effect of missense changes on protein structure and function (PolyPhen-2) suggests that this variant is likely to be tolerated. In summary, the available evidence is currently insufficient to determine the role of this variant in disease. Therefore, it has been classified as a Variant of Uncertain Significance.